The following is an entry in ClinVar:

NM_000264.5(PTCH1):c.765del (p.Trp256fs)

Gene: PTCH1 (patched 1; minus strand). Cytogenetic location: 9q22.32.
Variant type: Deletion.
Coding change: c.765del on transcript NM_000264.5 (MANE Select); coding-DNA position 765, one base deleted (G; older notation c.765delG).
Protein change: p.Trp256fs; shifts the reading frame from tryptophan 256.
Molecular consequence: frameshift variant. On other transcripts: non-coding transcript variant (1).
Genome position (GRCh38, 1-based): chr9:95,480,570, C deleted on the plus strand (G on the coding strand, the reverse complement: PTCH1 is on the minus strand); the first of 2 consecutive C bases (chr9:95,480,570-95,480,571); deleting either gives the same sequence. VCF-style (leftmost placement, unchanged base first): chr9-95480569-AC-A. GRCh37 (hg19) VCF-style: chr9-98242851-AC-A.
Other names: c.567del, p.Trp190fs (NM_001083602.3); c.762del, p.Trp255fs (NM_001083603.3); c.312del, p.Trp105fs (NM_001083604.3, NM_001083605.3, NM_001083606.3 and 1 more transcripts); c.765del, p.Trp256fs (NM_001354918.2); short protein forms W190fs, W255fs, W105fs, W256fs.
Identifiers: ClinVar variation 1427246 (VCV001427246.6), dbSNP rs2118427859, ClinGen allele CA2573144898.
Genomic context (GRCh38, chr9:95,480,569, plus strand): 5'-CCACTTGATAGTTTATTTTCTTTAACTCTTCCAGGAATTCCAAAGGGTCGAAGTTTGTCC[AC>A]CGCAAAGGAGGTTTACCTCTGCAAAAGAAATTAGGAGACGAGACCATGAAAAGAGCCTTC-3'

ClinVar aggregate classification (germline): Pathogenic (1 of 4 stars; one submission).

Conditions:
Gorlin syndrome. Also called: Nevoid Basal Cell Carcinoma Syndrome; Basal cell nevus syndrome. Identifiers: Orphanet 377, MedGen C0004779, MONDO:0007187.

Submission:

Labcorp Genetics (formerly Invitae), Labcorp
Classification: Pathogenic for Gorlin syndrome. Last evaluated: 2021-05-25. Review status: criteria provided, single submitter. Criteria: Invitae Variant Classification Sherloc (09022015). Collection method: clinical testing. Allele origin: germline.
Comment: For these reasons, this variant has been classified as Pathogenic. This variant has not been reported in the literature in individuals with PTCH1-related conditions. This variant is not present in population databases (ExAC no frequency). This sequence change creates a premature translational stop signal (p.Trp256Glyfs*13) in the PTCH1 gene. It is expected to result in an absent or disrupted protein product. Loss-of-function variants in PTCH1 are known to be pathogenic (PMID: 16301862, 16419085).

Literature cited by the submitters: PubMed 16301862; PubMed 16419085.